The following is an entry in ClinVar:

ClinVar aggregate classification (germline): Likely benign. Review status: criteria provided, multiple submitters, no conflicts (2 of 4 stars). 2 submissions from 2 submitters: Likely benign (2). Last evaluated 2026-08-01.

Conditions:
Werner syndrome (WRN). Identifiers: Orphanet 902, MedGen C0043119, MONDO:0010196, OMIM 277700.

Allele frequency attached by ClinVar (database versions not stated): TOPMed 0.00005; gnomAD exomes 0.00007 and 0.00008; ESP Exome Variant Server 0.00008; gnomAD 0.00009; ExAC 0.00011.
gnomAD v4.1: 116 of 1,611,700 alleles (0.0072%); highest among the groups gnomAD compares: Non-Finnish European, 0.0097%; no homozygotes.

Submissions (2):

CeGaT Center for Human Genetics Tuebingen
Classification: Likely benign. Last evaluated: 2026-08-01. Review status: criteria provided, single submitter. Criteria: CeGaT Center For Human Genetics Tuebingen Variant Classification Criteria Version 2. Collection method: clinical testing. Allele origin: germline. Affected: yes. Observed: 1 variant allele.
Comment: WRN: BP4, BP7

Labcorp Genetics (formerly Invitae), Labcorp
Classification: Likely benign for Werner syndrome. Last evaluated: 2026-01-24. Review status: criteria provided, single submitter. Criteria: Invitae Variant Classification Sherloc (09022015). Collection method: clinical testing. Allele origin: germline.

NM_000553.6(WRN):c.1719T>G (p.Thr573=)

Gene: WRN (WRN RecQ like helicase; plus strand). Cytogenetic location: 8p12.
Variant type: single nucleotide variant.
Coding change: c.1719T>G on transcript NM_000553.6 (MANE Select); coding-DNA position 1719, T replaced by G.
Protein change: p.Thr573=; no amino-acid change (threonine 573 retained).
Molecular consequence: synonymous variant.
Genome position (GRCh38, 1-based): chr8:31,090,531, T>G. VCF-style: chr8-31090531-T-G. GRCh37 (hg19) VCF-style: chr8-30948047-T-G.
Identifiers: ClinVar variation 458389 (VCV000458389.11), dbSNP rs145564947, ClinGen allele CA4704457.